The following is an entry in ClinVar:

ClinVar aggregate classification (germline): Likely pathogenic. Review status: criteria provided, multiple submitters, no conflicts (2 of 4 stars). 2 submissions from 2 submitters: Likely pathogenic (2). Last evaluated 2024-06-11.

Conditions:
Wilson disease (WND). Also called: Wilson's disease. Identifiers: Orphanet 905, MedGen C0019202, MONDO:0010200, OMIM 277900. Disease mechanism: loss of function.

Submissions (2):

All of Us Research Program, National Institutes of Health
Classification: Likely pathogenic for Wilson disease. Last evaluated: 2024-06-11. Review status: criteria provided, single submitter. Criteria: ACMG Guidelines, 2015. Collection method: clinical testing. Allele origin: germline. Inheritance: Autosomal recessive inheritance. Observed: 1 variant allele, 1 heterozygote.
Comment: This study involves interpretation of variants in research participants for the purpose of population health screening. Participant phenotype was not available at the time of variant classification. Additional details can be found in publication PMID: 35346344, PMCID: PMC8962531

Baylor Genetics
Classification: Likely pathogenic for Wilson disease. Last evaluated: 2023-02-18. Review status: criteria provided, single submitter. Criteria: ACMG Guidelines, 2015. Collection method: clinical testing. Allele origin: unknown.

NM_000053.4(ATP7B):c.4084T>G (p.Ser1362Ala)

Gene: ATP7B (ATPase copper transporting beta; minus strand). Cytogenetic location: 13q14.3.
Variant type: single nucleotide variant.
Coding change: c.4084T>G on transcript NM_000053.4 (MANE Select); coding-DNA position 4084, T replaced by G.
Protein change: p.Ser1362Ala; replaces serine 1362 with alanine.
Molecular consequence: missense variant.
Genome position (GRCh38, 1-based): chr13:51,935,633, A>C on the plus strand (T>G on the coding strand, the complement: ATP7B is on the minus strand). VCF-style: chr13-51935633-A-C. GRCh37 (hg19) VCF-style: chr13-52509769-A-C.
Other names: c.3463T>G, p.Ser1155Ala (NM_001005918.3); c.3751T>G, p.Ser1251Ala (NM_001243182.2); c.3850T>G, p.Ser1284Ala (NM_001330578.2, NM_001406527.1, NM_001406528.1); c.3832T>G, p.Ser1278Ala (NM_001330579.2, NM_001406531.1, NM_001406532.1); c.4084T>G, p.Ser1362Ala (NM_001406511.1, NM_001406512.1); c.4078T>G, p.Ser1360Ala (NM_001406513.1); c.4051T>G, p.Ser1351Ala (NM_001406514.1); c.4030T>G, p.Ser1344Ala (NM_001406515.1, NM_001406516.1); and 21 more; short protein forms S1081A, S1135A, S1146A, S1155A, S1168A, S1198A, S1200A, S1213A.
Identifiers: ClinVar variation 2679820 (VCV002679820.2), dbSNP rs2547551142, ClinGen allele CA388020094.